The following is an entry in ClinVar:

NM_020745.4(AARS2):c.861C>A (p.Asp287Glu)

Gene: AARS2 (alanyl-tRNA synthetase 2, mitochondrial; minus strand). Cytogenetic location: 6p21.1.
Variant type: single nucleotide variant.
Coding change: c.861C>A on transcript NM_020745.4 (MANE Select); coding-DNA position 861, C replaced by A.
Protein change: p.Asp287Glu; replaces aspartic acid 287 with glutamic acid.
Molecular consequence: missense variant.
Genome position (GRCh38, 1-based): chr6:44,310,332, G>T on the plus strand (C>A on the coding strand, the complement: AARS2 is on the minus strand). VCF-style: chr6-44310332-G-T. GRCh37 (hg19) VCF-style: chr6-44278069-G-T.
Other names: p.D287E:GAC>GAA; p.Asp287Glu; short protein forms D287E.
Identifiers: ClinVar variation 136225 (VCV000136225.17), dbSNP rs115815965, ClinGen allele CA289198.

ClinVar aggregate classification (germline): Benign/Likely benign. Review status: criteria provided, multiple submitters, no conflicts (2 of 4 stars). 5 submissions from 5 submitters: Benign (4); Likely benign (1). Last evaluated 2026-01-27.

Conditions:
Leukoencephalopathy, progressive, with ovarian failure (LKENP). Identifiers: Orphanet 99853, MedGen C4014588, MONDO:0014387, OMIM 615889.
Combined oxidative phosphorylation defect type 8. Also called: CARDIOMYOPATHY, HYPERTROPHIC MITOCHONDRIAL, FATAL INFANTILE. Identifiers: Orphanet 319504, MedGen C4518839, MONDO:0013570, OMIM 614096.

Allele frequency attached by ClinVar (database versions not stated): gnomAD exomes 0.00294; ExAC 0.00556; gnomAD 0.01131 and 0.01205; ESP Exome Variant Server 0.01292; TOPMed 0.01296; 1000 Genomes Project 0.01418; 1000 Genomes Project 30x 0.01562.

Submissions (5):

Labcorp Genetics (formerly Invitae), Labcorp
Classification: Benign. Last evaluated: 2026-01-27. Review status: criteria provided, single submitter. Criteria: Invitae Variant Classification Sherloc (09022015). Collection method: clinical testing. Allele origin: germline.

Fulgent Genetics
Classification: Likely benign for Combined oxidative phosphorylation defect type 8; Leukoencephalopathy, progressive, with ovarian failure. Last evaluated: 2022-05-17. Review status: criteria provided, single submitter. Criteria: ACMG Guidelines, 2015. Collection method: clinical testing. Allele origin: unknown.

Mayo Clinic Laboratories, Mayo Clinic
Classification: Benign. Last evaluated: 2020-06-04. Review status: criteria provided, single submitter. Criteria: ACMG Guidelines, 2015. Collection method: clinical testing. Allele origin: germline. Observed: 11 variant alleles.

Illumina Laboratory Services, Illumina
Classification: Benign for Combined oxidative phosphorylation defect type 8. Last evaluated: 2018-01-13. Review status: criteria provided, single submitter. Criteria: ICSL Variant Classification Criteria 13 December 2019. Collection method: clinical testing. Allele origin: germline.
Comment: This variant was observed in the ICSL laboratory as part of a predisposition screen in an ostensibly healthy population. It had not been previously curated by ICSL or reported in the Human Gene Mutation Database (HGMD: prior to June 1st, 2018), and was therefore a candidate for classification through an automated scoring system. Utilizing variant allele frequency, disease prevalence and penetrance estimates, and inheritance mode, an automated score was calculated to assess if this variant is too frequent to cause the disease. Based on the score and internal cut-off values, a variant classified as benign is not then subjected to further curation. The score for this variant resulted in a classification of benign for this disease.

GeneDx
Classification: Benign. Last evaluated: 2014-05-27. Review status: criteria provided, single submitter. Criteria: GeneDx Variant Classification (06012015). Collection method: clinical testing. Allele origin: germline. Affected: yes.
Comment: This variant is considered likely benign or benign based on one or more of the following criteria: it is a conservative change, it occurs at a poorly conserved position in the protein, it is predicted to be benign by multiple in silico algorithms, and/or has population frequency not consistent with disease.